The following is an entry in ClinVar:

NM_004273.5(CHST3):c.436T>C (p.Ser146Pro)

Gene: CHST3 (carbohydrate sulfotransferase 3; plus strand). Cytogenetic location: 10q22.1.
Variant type: single nucleotide variant.
Coding change: c.436T>C on transcript NM_004273.5 (MANE Select); coding-DNA position 436, T replaced by C.
Protein change: p.Ser146Pro; replaces serine 146 with proline.
Molecular consequence: missense variant.
Genome position (GRCh38, 1-based): chr10:72,007,467, T>C. VCF-style: chr10-72007467-T-C. GRCh37 (hg19) VCF-style: chr10-73767225-T-C.
Other names: short protein forms S146P.
Identifiers: ClinVar variation 3747862 (VCV003747862.2).

ClinVar aggregate classification (germline): Uncertain significance (1 of 4 stars; one submission).

Conditions:
Spondyloepiphyseal dysplasia with congenital joint dislocations (SEDCJD). Also called: Chondrodysplasia with Congenital Joint Dislocations, CHST3-Related. Identifiers: Orphanet 263463, MedGen C1837657, MONDO:0007738, OMIM 143095.

Submission:

Department of Medical Genetics, Sanjay Gandhi Post Graduate Institute of Medical Sciences
Classification: Uncertain significance for Spondyloepiphyseal dysplasia with congenital joint dislocations. Last evaluated: 2023-03-03. Review status: criteria provided, single submitter. Criteria: ACMG Guidelines, 2015. Collection method: research. Allele origin: inherited. Inheritance: Autosomal recessive inheritance. Affected: yes. Observed: 1 homozygote.
Comment: This missense variant in CHST3 gene. The available evidence is currently insufficient to determine the role of this variant in disease causing. Therefore, it has been classified as a Variant of Uncertain Significance. Insilico tools mutation taster predicted disease causing. Previously no reported literature.